The following is an entry in ClinVar:

NM_001159773.2(CANT1):c.627G>T (p.Glu209Asp)

Gene: CANT1 (calcium activated nucleotidase 1; minus strand). Cytogenetic location: 17q25.3.
Variant type: single nucleotide variant.
Coding change: c.627G>T on transcript NM_001159773.2 (MANE Select); coding-DNA position 627, G replaced by T.
Protein change: p.Glu209Asp; replaces glutamic acid 209 with aspartic acid.
Molecular consequence: missense variant.
Genome position (GRCh38, 1-based): chr17:78,996,996, C>A on the plus strand (G>T on the coding strand, the complement: CANT1 is on the minus strand). VCF-style: chr17-78996996-C-A. GRCh37 (hg19) VCF-style: chr17-76993078-C-A.
Other names: c.627G>T, p.Glu209Asp (NM_001159772.2, NM_138793.4); short protein forms E209D.
Identifiers: ClinVar variation 1031630 (VCV001031630.1), dbSNP rs2071055518, ClinGen allele CA401307756.
Genomic context (GRCh38, chr17:78,996,996, plus strand): 5'-GGCCCTGAGCTCCCACTCCCCACCCACACCTCCATAAAACCTCAGGGTCCAGTTACCTTT[C>A]TCCACGGTGCCGTCGCCGTCGGACAGAATCACCCAGGGCACGGCTTTGCTGCCTTCGATC-3'
Protein context (NP_001153245.1, residues 199-219): VILSDGDGTV[Glu209Asp]KGFKAEWLAV

ClinVar aggregate classification (germline): Uncertain significance (1 of 4 stars; one submission).

Conditions:
Desbuquois dysplasia 1 (DBQD1). Also called: DESBUQUOIS DYSPLASIA 1, KIM VARIANT; MICROMELIC DWARFISM WITH VERTEBRAL AND METAPHYSEAL ABNORMALITIES AND ADVANCED CARPOTARSAL OSSIFICATION. Identifiers: Orphanet 1425, MedGen C4012146, MONDO:0009629, OMIM 251450.

Submission:

Baylor Genetics
Classification: Uncertain significance for Desbuquois dysplasia 1. Last evaluated: 2018-08-14. Review status: criteria provided, single submitter. Criteria: ACMG Guidelines, 2015. Collection method: clinical testing. Allele origin: maternal. Affected: yes.
Comment: This variant was determined to be of uncertain significance according to ACMG Guidelines, 2015 [PMID:25741868].